The following is an entry in ClinVar:

NM_014334.4(FRRS1L):c.260C>G (p.Pro87Arg)

Gene: FRRS1L (ferric chelate reductase 1 like; minus strand). Cytogenetic location: 9q31.3.
Variant type: single nucleotide variant.
Coding change: c.260C>G on transcript NM_014334.4 (MANE Select); coding-DNA position 260, C replaced by G.
Protein change: p.Pro87Arg; replaces proline 87 with arginine.
Molecular consequence: missense variant.
Genome position (GRCh38, 1-based): chr9:109,149,699, G>C on the plus strand (C>G on the coding strand, the complement: FRRS1L is on the minus strand). VCF-style: chr9-109149699-G-C. GRCh37 (hg19) VCF-style: chr9-111911979-G-C.
Other names: short protein forms P87R.
Identifiers: ClinVar variation 1407851 (VCV001407851.7), dbSNP rs768169514, ClinGen allele CA5177472.

ClinVar aggregate classification (germline): Conflicting classifications of pathogenicity. Review status: criteria provided, conflicting classifications (1 of 4 stars). 2 submissions from 2 submitters: Uncertain significance (1); Likely benign (1). Last evaluated 2023-12-23.

Conditions:
Developmental and epileptic encephalopathy, 37 (DEE37). Also called: Epileptic encephalopathy, early infantile, 37. Identifiers: MedGen C4310770, MONDO:0014859, OMIM 616981.

Allele frequency attached by ClinVar (database versions not stated): TOPMed below 0.00001; ExAC 0.00004.

Submissions (2):

Intergen Genetics and Rare Diseases Diagnosis Center
Classification: Likely benign for Developmental and epileptic encephalopathy, 37. Last evaluated: 2023-12-23. Review status: criteria provided, single submitter. Criteria: ACMG Guidelines, 2015. Collection method: clinical testing. Allele origin: germline. Inheritance: Autosomal recessive inheritance. Affected: no. Observed: 1 homozygote.

Labcorp Genetics (formerly Invitae), Labcorp
Classification: Uncertain significance for Developmental and epileptic encephalopathy, 37. Last evaluated: 2021-11-06. Review status: criteria provided, single submitter. Criteria: Invitae Variant Classification Sherloc (09022015). Collection method: clinical testing. Allele origin: germline.
Comment: Algorithms developed to predict the effect of missense changes on protein structure and function are either unavailable or do not agree on the potential impact of this missense change (SIFT: "Tolerated"; PolyPhen-2: "Possibly Damaging"; Align-GVGD: "Class C0"). This variant has not been reported in the literature in individuals affected with FRRS1L-related conditions. This variant is present in population databases (rs768169514, gnomAD 0.05%). This sequence change replaces proline, which is neutral and non-polar, with arginine, which is basic and polar, at codon 138 of the FRRS1L protein (p.Pro138Arg). In summary, the available evidence is currently insufficient to determine the role of this variant in disease. Therefore, it has been classified as a Variant of Uncertain Significance.